The following is an entry in ClinVar:

ClinVar aggregate classification (germline): Uncertain significance (1 of 4 stars; one submission).

Conditions:
Bloom syndrome (BLM). Also called: Bloom-Torre-Machacek syndrome. Identifiers: Orphanet 125, MedGen C0005859, MONDO:0008876, OMIM 210900.

Submission:

Labcorp Genetics (formerly Invitae), Labcorp
Classification: Uncertain significance for Bloom syndrome. Last evaluated: 2022-06-07. Review status: criteria provided, single submitter. Criteria: Invitae Variant Classification Sherloc (09022015). Collection method: clinical testing. Allele origin: germline.
Comment: In summary, the available evidence is currently insufficient to determine the role of this variant in disease. Therefore, it has been classified as a Variant of Uncertain Significance. Algorithms developed to predict the effect of missense changes on protein structure and function (SIFT, PolyPhen-2, Align-GVGD) all suggest that this variant is likely to be tolerated. This variant has not been reported in the literature in individuals affected with BLM-related conditions. This variant is not present in population databases (gnomAD no frequency). This sequence change replaces lysine, which is basic and polar, with asparagine, which is neutral and polar, at codon 1133 of the BLM protein (p.Lys1133Asn).

NM_000057.4(BLM):c.3399A>C (p.Lys1133Asn)

Gene: BLM (BLM RecQ like helicase; plus strand). Cytogenetic location: 15q26.1.
Variant type: single nucleotide variant.
Coding change: c.3399A>C on transcript NM_000057.4 (MANE Select); coding-DNA position 3399, A replaced by C.
Protein change: p.Lys1133Asn; replaces lysine 1133 with asparagine.
Molecular consequence: missense variant. On other transcripts: intron variant (1).
Genome position (GRCh38, 1-based): chr15:90,803,561, A>C. VCF-style: chr15-90803561-A-C. GRCh37 (hg19) VCF-style: chr15-91346791-A-C.
Other names: c.3399A>C, p.Lys1133Asn (NM_001287246.2); c.2274A>C, p.Lys758Asn (NM_001287248.2); c.3358+5224A>C (NM_001287247.2); short protein forms K1133N, K758N.
Identifiers: ClinVar variation 2002619 (VCV002002619.4), dbSNP rs2151194213, ClinGen allele CA393847512.